The following is an entry in ClinVar:

NM_006005.3(WFS1):c.2098T>A (p.Trp700Arg)

Gene: WFS1 (wolframin ER transmembrane glycoprotein; plus strand). Cytogenetic location: 4p16.1.
Variant type: single nucleotide variant.
Coding change: c.2098T>A on transcript NM_006005.3 (MANE Select); coding-DNA position 2098, T replaced by A.
Protein change: p.Trp700Arg; replaces tryptophan 700 with arginine.
Molecular consequence: missense variant.
Genome position (GRCh38, 1-based): chr4:6,301,893, T>A. VCF-style: chr4-6301893-T-A. GRCh37 (hg19) VCF-style: chr4-6303620-T-A.
Other names: c.2098T>A, p.Trp700Arg (NM_001145853.1); short protein forms W700R.
Identifiers: ClinVar variation 2637634 (VCV002637634.1), dbSNP rs2474195918, ClinGen allele CA356177698.

ClinVar aggregate classification (germline): Uncertain significance (1 of 4 stars; one submission).

Submission:

Women's Health and Genetics/Laboratory Corporation of America, LabCorp
Classification: Uncertain significance. Last evaluated: 2023-10-09. Review status: criteria provided, single submitter. Criteria: LabCorp Variant Classification Summary - May 2015. Collection method: clinical testing. Allele origin: germline.
Comment: Variant summary: WFS1 c.2098T>A (p.Trp700Arg) results in a non-conservative amino acid change located in the Wolframin, cysteine-rich domain (IPR045400) of the encoded protein sequence. Five of five in-silico tools predict a damaging effect of the variant on protein function. The variant was absent in 249998 control chromosomes. The available data on variant occurrences in the general population are insufficient to allow any conclusion about variant significance. To our knowledge, no occurrence of c.2098T>A in individuals affected with Wolfram Syndrome 1 and no experimental evidence demonstrating its impact on protein function have been reported. No submitters have cited clinical-significance assessments for this variant to ClinVar after 2014. Based on the evidence outlined above, the variant was classified as uncertain significance.